The following is an entry in ClinVar:

NM_000843.4(GRM6):c.1012G>A (p.Gly338Arg)

Gene: GRM6 (glutamate metabotropic receptor 6; minus strand). Cytogenetic location: 5q35.3.
Variant type: single nucleotide variant.
Coding change: c.1012G>A on transcript NM_000843.4 (MANE Select); coding-DNA position 1012, G replaced by A.
Protein change: p.Gly338Arg; replaces glycine 338 with arginine.
Molecular consequence: missense variant.
Genome position (GRCh38, 1-based): chr5:178,990,592, C>T on the plus strand (G>A on the coding strand, the complement: GRM6 is on the minus strand). VCF-style: chr5-178990592-C-T. GRCh37 (hg19) VCF-style: chr5-178417593-C-T.
Other names: short protein forms G338R.
Identifiers: ClinVar variation 93436 (VCV000093436.10), dbSNP rs371244727, ClinGen allele CA221369.

ClinVar aggregate classification (germline): Uncertain significance. Review status: criteria provided, multiple submitters, no conflicts (2 of 4 stars). 2 submissions from 2 submitters: Uncertain significance (2). Last evaluated 2023-07-03.

Allele frequency attached by ClinVar (database versions not stated): gnomAD 0.00002; TOPMed 0.00002; gnomAD exomes 0.00001; ExAC 0.00002; ESP Exome Variant Server 0.00008.
gnomAD v4.1: 13 of 1,612,266 alleles (0.00081%); highest among the groups gnomAD compares: Admixed American, 0.0033%; no homozygotes.

Submissions (2):

Labcorp Genetics (formerly Invitae), Labcorp
Classification: Uncertain significance. Last evaluated: 2023-07-03. Review status: criteria provided, single submitter. Criteria: Invitae Variant Classification Sherloc (09022015). Collection method: clinical testing. Allele origin: germline.
Comment: ClinVar contains an entry for this variant (Variation ID: 93436). This sequence change replaces glycine, which is neutral and non-polar, with arginine, which is basic and polar, at codon 338 of the GRM6 protein (p.Gly338Arg). This variant also falls at the last nucleotide of exon 4, which is part of the consensus splice site for this exon. This variant is present in population databases (rs371244727, gnomAD 0.01%). This variant has not been reported in the literature in individuals affected with GRM6-related conditions. An algorithm developed to predict the effect of missense changes on protein structure and function (PolyPhen-2) suggests that this variant is likely to be disruptive. Variants that disrupt the consensus splice site are a relatively common cause of aberrant splicing (PMID: 17576681, 9536098). In summary, the available evidence is currently insufficient to determine the role of this variant in disease. Therefore, it has been classified as a Variant of Uncertain Significance.

Eurofins Ntd Llc (ga)
Classification: Uncertain significance. Last evaluated: 2015-02-25. Review status: criteria provided, single submitter. Criteria: EGL Classification Definitions 2015. Collection method: clinical testing. Allele origin: germline. Observed: 1 variant allele, 1 heterozygote.

Literature cited by the submitters: PubMed 17576681 (cited by Labcorp Genetics (formerly Invitae), Labcorp); PubMed 9536098 (cited by Labcorp Genetics (formerly Invitae), Labcorp).